The following is an entry in ClinVar:

ClinVar aggregate classification (germline): Uncertain significance. Review status: criteria provided, single submitter (1 of 4 stars). 2 submissions from 2 submitters: Uncertain significance (1). 1 of the submissions does not count toward it. Last evaluated 2022-08-04.

Conditions:
RYR1-related disorder. Also called: RYR1-related condition; RYR1-related disorders. Identifiers: MedGen CN239331.

Submissions (2):

Revvity Omics, Revvity
Classification: Uncertain significance. Last evaluated: 2022-08-04. Review status: criteria provided, single submitter. Criteria: ACMG Guidelines, 2015. Collection method: clinical testing. Allele origin: germline.

PreventionGenetics, part of Exact Sciences
Classification: Likely benign for RYR1-related condition. Last evaluated: 2022-05-06. Review status: no assertion criteria provided. Collection method: clinical testing. Allele origin: germline. Not counted in ClinVar's aggregate classification.
Comment: This variant is classified as likely benign based on ACMG/AMP sequence variant interpretation guidelines (Richards et al. 2015 PMID: 25741868, with internal and published modifications).

NM_000540.3(RYR1):c.8816+5_8816+6delinsAT

Gene: RYR1 (ryanodine receptor 1; plus strand). Cytogenetic location: 19q13.2.
Variant type: Indel.
Coding change: c.8816+5_8816+6delinsAT on transcript NM_000540.3 (MANE Select); bases 5 to 6 of the intron after coding-DNA position 8816, GC replaced by AT.
Molecular consequence: intron variant.
Genome position (GRCh38, 1-based): chr19:38,506,957-38,506,958, GC replaced by AT. VCF-style: chr19-38506957-GC-AT. GRCh37 (hg19) VCF-style: chr19-38997597-GC-AT.
Other names: c.8816+5_8816+6delinsAT (NM_001042723.2, NM_000540.2).
Identifiers: ClinVar variation 2435517 (VCV002435517.5), dbSNP rs2514371354, ClinGen allele CA2580097244.